The following is an entry in ClinVar:

ClinVar aggregate classification (germline): Uncertain significance (1 of 4 stars; one submission).

Allele frequency attached by ClinVar (database versions not stated): ExAC 0.00001; gnomAD 0.00001.
gnomAD v4.1: 8 of 1,614,130 alleles (0.0005%); highest among the groups gnomAD compares: Non-Finnish European, 0.00068%; no homozygotes.

Submission:

Labcorp Genetics (formerly Invitae), Labcorp
Classification: Uncertain significance. Last evaluated: 2025-12-14. Review status: criteria provided, single submitter. Criteria: Invitae Variant Classification Sherloc (09022015). Collection method: clinical testing. Allele origin: germline.
Comment: This sequence change replaces valine, which is neutral and non-polar, with alanine, which is neutral and non-polar, at codon 361 of the CETP protein (p.Val361Ala). This variant is present in population databases (rs200134880, gnomAD 0.002%). This variant has not been reported in the literature in individuals affected with CETP-related conditions. ClinVar contains an entry for this variant (Variation ID: 1366232). Invitae Evidence Modeling of protein sequence and biophysical properties (such as structural, functional, and spatial information, amino acid conservation, physicochemical variation, residue mobility, and thermodynamic stability) indicates that this missense variant is not expected to disrupt CETP protein function with a negative predictive value of 80%. In summary, the available evidence is currently insufficient to determine the role of this variant in disease. Therefore, it has been classified as a Variant of Uncertain Significance.

NM_000078.3(CETP):c.1082T>C (p.Val361Ala)

Gene: CETP (cholesteryl ester transfer protein; plus strand). Cytogenetic location: 16q13.
Variant type: single nucleotide variant.
Coding change: c.1082T>C on transcript NM_000078.3 (MANE Select); coding-DNA position 1082, T replaced by C.
Protein change: p.Val361Ala; replaces valine 361 with alanine.
Molecular consequence: missense variant.
Genome position (GRCh38, 1-based): chr16:56,978,191, T>C. VCF-style: chr16-56978191-T-C. GRCh37 (hg19) VCF-style: chr16-57012103-T-C.
Other names: c.902T>C, p.Val301Ala (NM_001286085.2); short protein forms V361A, V301A.
Identifiers: ClinVar variation 1366232 (VCV001366232.6), dbSNP rs200134880, ClinGen allele CA8071215.